The following is an entry in ClinVar:

ClinVar aggregate classification (germline): Uncertain significance (1 of 4 stars; one submission).

gnomAD v4.1: 2 of 1,614,132 alleles (0.00012%); highest among the groups gnomAD compares: Non-Finnish European, 0.00017%; no homozygotes.

Submission:

Labcorp Genetics (formerly Invitae), Labcorp
Classification: Uncertain significance. Last evaluated: 2024-06-21. Review status: criteria provided, single submitter. Criteria: Invitae Variant Classification Sherloc (09022015). Collection method: clinical testing. Allele origin: germline.
Comment: This sequence change replaces arginine, which is basic and polar, with isoleucine, which is neutral and non-polar, at codon 676 of the OCA2 protein (p.Arg676Ile). This variant is not present in population databases (gnomAD no frequency). This missense change has been observed in individual(s) with ocular albinism (Invitae). Advanced modeling of protein sequence and biophysical properties (such as structural, functional, and spatial information, amino acid conservation, physicochemical variation, residue mobility, and thermodynamic stability) performed at Invitae indicates that this missense variant is not expected to disrupt OCA2 protein function with a negative predictive value of 80%. In summary, the available evidence is currently insufficient to determine the role of this variant in disease. Therefore, it has been classified as a Variant of Uncertain Significance.

NM_000275.3(OCA2):c.2027G>T (p.Arg676Ile)

Gene: OCA2 (OCA2 melanosomal transmembrane protein; minus strand). Cytogenetic location: 15q13.1.
Variant type: single nucleotide variant.
Coding change: c.2027G>T on transcript NM_000275.3 (MANE Select); coding-DNA position 2027, G replaced by T.
Protein change: p.Arg676Ile; replaces arginine 676 with isoleucine.
Molecular consequence: missense variant.
Genome position (GRCh38, 1-based): chr15:27,926,179, C>A on the plus strand (G>T on the coding strand, the complement: OCA2 is on the minus strand). VCF-style: chr15-27926179-C-A. GRCh37 (hg19) VCF-style: chr15-28171325-C-A.
Other names: c.1955G>T, p.Arg652Ile (NM_001300984.2); short protein forms R676I, R652I.
Identifiers: ClinVar variation 3657294 (VCV003657294.2).